The following is an entry in ClinVar:

ClinVar aggregate classification (germline): Pathogenic (1 of 4 stars; one submission).

Conditions:
Ehlers-Danlos syndrome, dermatosparaxis type. Also called: EDS VIIC; Dermatosparaxis; Ehlers-Danlos syndrome, type VII, autosomal recessive. Identifiers: Orphanet 1901, MedGen C2700425, MONDO:0009161, OMIM 225410.

Submission:

Myriad Genetics, Inc.
Classification: Pathogenic for Ehlers-Danlos syndrome, dermatosparaxis type. Last evaluated: 2024-05-14. Review status: criteria provided, single submitter. Criteria: Myriad Autosomal Dominant, Autosomal Recessive and X-Linked Classification Criteria (2023). Collection method: clinical testing. Allele origin: unknown.
Comment: NM_014244.4(ADAMTS2):c.96_97ins8(P33Sfs*135) is expected to be pathogenic in the context of Ehlers-Danlos syndrome, ADAMTS2-related. This variant is predicted to lead to an abnormal or absent protein product due to the creation of a premature termination codon in ADAMTS2, a gene where loss-of-function variants are known to be pathogenic. Please note: this variant was assessed in the context of healthy population screening.

NM_014244.5(ADAMTS2):c.96_97insAGCGGCTC (p.Pro33fs)

Gene: ADAMTS2 (ADAM metallopeptidase with thrombospondin type 1 motif 2; minus strand). Cytogenetic location: 5q35.3.
Variant type: Insertion.
Coding change: c.96_97insAGCGGCTC on transcript NM_014244.5 (MANE Select); coding-DNA positions 96 to 97, AGCGGCTC inserted.
Protein change: p.Pro33fs; shifts the reading frame from proline 33.
Molecular consequence: frameshift variant.
Genome position: GRCh38 VCF-style: chr5-179345232-G-GGAGCCGCT. GRCh37 (hg19) VCF-style: chr5-178772233-G-GGAGCCGCT.
Other names: c.96_97insAGCGGCTC, p.Pro33fs (NM_021599.4); short protein forms P33fs.
Identifiers: ClinVar variation 5010593 (VCV005010593.1).